The following is an entry in ClinVar:

ClinVar aggregate classification (germline): Uncertain significance. Review status: criteria provided, multiple submitters, no conflicts (2 of 4 stars). 2 submissions from 2 submitters: Uncertain significance (2). Last evaluated 2025-04-20.

Conditions:
Joubert syndrome 17 (JBTS17). Identifiers: Orphanet 475, MedGen C3553264, MONDO:0013824, OMIM 614615.
Orofaciodigital syndrome type 6 (OFD6). Also called: Oral-facial-digital syndrome type 6; Central polydactyly cleft lip/palate or lingual lump and psychomotor retardation; Y-shaped central metacarpal and cerebellar defect; Joubert syndrome with orofacialdigital anomalies; OROFACIODIGITAL SYNDROME VI; OFDS VI. Identifiers: Orphanet 2754, MedGen C2745997, MONDO:0010176, OMIM 277170.

Allele frequency attached by ClinVar (database versions not stated): TOPMed below 0.00001; gnomAD 0.00001; gnomAD exomes 0.00001 and 0.00002.
gnomAD v4.1: 14 of 1,550,386 alleles (0.0009%); highest among the groups gnomAD compares: South Asian, 0.0036%; no homozygotes.

Submissions (2):

Labcorp Genetics (formerly Invitae), Labcorp
Classification: Uncertain significance. Last evaluated: 2025-04-20. Review status: criteria provided, single submitter. Criteria: Invitae Variant Classification Sherloc (09022015). Collection method: clinical testing. Allele origin: germline.
Comment: This sequence change replaces valine, which is neutral and non-polar, with isoleucine, which is neutral and non-polar, at codon 122 of the CPLANE1 protein (p.Val122Ile). This variant is present in population databases (no rsID available, gnomAD 0.01%). This variant has not been reported in the literature in individuals affected with CPLANE1-related conditions. ClinVar contains an entry for this variant (Variation ID: 1427370). Invitae Evidence Modeling of protein sequence and biophysical properties (such as structural, functional, and spatial information, amino acid conservation, physicochemical variation, residue mobility, and thermodynamic stability) indicates that this missense variant is not expected to disrupt CPLANE1 protein function with a negative predictive value of 95%. In summary, the available evidence is currently insufficient to determine the role of this variant in disease. Therefore, it has been classified as a Variant of Uncertain Significance.

Fulgent Genetics
Classification: Uncertain significance for Orofaciodigital syndrome type 6; Joubert syndrome 17. Last evaluated: 2022-05-09. Review status: criteria provided, single submitter. Criteria: ACMG Guidelines, 2015. Collection method: clinical testing. Allele origin: unknown.

NM_001384732.1(CPLANE1):c.364G>A (p.Val122Ile)

Gene: CPLANE1 (ciliogenesis and planar polarity effector complex subunit 1; minus strand). Cytogenetic location: 5p13.2.
Variant type: single nucleotide variant.
Coding change: c.364G>A on transcript NM_001384732.1 (MANE Select); coding-DNA position 364, G replaced by A.
Protein change: p.Val122Ile; replaces valine 122 with isoleucine.
Molecular consequence: missense variant.
Genome position (GRCh38, 1-based): chr5:37,244,581, C>T on the plus strand (G>A on the coding strand, the complement: CPLANE1 is on the minus strand). VCF-style: chr5-37244581-C-T. GRCh37 (hg19) VCF-style: chr5-37244683-C-T.
Other names: c.364G>A, p.Val122Ile (NM_023073.4); short protein forms V122I.
Identifiers: ClinVar variation 1427370 (VCV001427370.9), dbSNP rs1404949478, ClinGen allele CA359522306.